The following is an entry in ClinVar:

NM_012208.4(HARS2):c.400-288C>T

Gene: HARS2 (histidyl-tRNA synthetase 2, mitochondrial; plus strand). Cytogenetic location: 5q31.3.
Variant type: single nucleotide variant.
Coding change: c.400-288C>T on transcript NM_012208.4 (MANE Select); 288 bases into the intron before coding-DNA position 400, C replaced by T.
Molecular consequence: intron variant.
Genome position (GRCh38, 1-based): chr5:140,695,220, C>T. VCF-style: chr5-140695220-C-T. GRCh37 (hg19) VCF-style: chr5-140074805-C-T.
Other names: c.94-518C>T (NM_001278732.2); c.418-288C>T (NM_001363535.2); c.325-288C>T (NM_001278731.2); c.190-288C>T (NM_001363536.2).
Identifiers: ClinVar variation 673718 (VCV000673718.1), dbSNP rs73273313, ClinGen allele CA128341733.
Genomic context (GRCh38, chr5:140,695,220, plus strand): 5'-TTAGAAGTTGTTAGGCAAATCCAAGTTCTGAAGCTTGACTATTTTGAGATGGTTCGGAAT[C>T]GATCTGAATGGGCAGAAAGACCTGAAGTTAGTTCTTGGGTCACTTCTATCTCTACTTGCC-3'

ClinVar aggregate classification (germline): Benign (1 of 4 stars; one submission).

Allele frequency attached by ClinVar (database versions not stated): gnomAD 0.02141 and 0.02283; TOPMed 0.02347; 1000 Genomes Project 0.02716; 1000 Genomes Project 30x 0.03076.
gnomAD v4.1: 3,222 of 152,234 alleles (2.1%); highest among the groups gnomAD compares: African/African-American, 7.4%; 114 homozygotes.

Submission:

GeneDx
Classification: Benign. Last evaluated: 2018-06-16. Review status: criteria provided, single submitter. Criteria: GeneDx Variant Classification (06012015). Collection method: clinical testing. Allele origin: germline. Affected: yes.
Comment: This variant is considered likely benign or benign based on one or more of the following criteria: it is a conservative change, it occurs at a poorly conserved position in the protein, it is predicted to be benign by multiple in silico algorithms, and/or has population frequency not consistent with disease.